The following is an entry in ClinVar:

NM_006379.5(SEMA3C):c.116C>T (p.Thr39Ile)

Gene: SEMA3C (semaphorin 3C; minus strand). Cytogenetic location: 7q21.11.
Variant type: single nucleotide variant.
Coding change: c.116C>T on transcript NM_006379.5 (MANE Select); coding-DNA position 116, C replaced by T.
Protein change: p.Thr39Ile; replaces threonine 39 with isoleucine.
Molecular consequence: missense variant. On other transcripts: 5 prime UTR variant (1).
Genome position (GRCh38, 1-based): chr7:80,828,733, G>A on the plus strand (C>T on the coding strand, the complement: SEMA3C is on the minus strand). VCF-style: chr7-80828733-G-A. GRCh37 (hg19) VCF-style: chr7-80458049-G-A.
Other names: c.170C>T, p.Thr57Ile (NM_001350120.2); c.-59C>T (NM_001350121.2); short protein forms T39I, T57I.
Identifiers: ClinVar variation 4997035 (VCV004997035.1).

ClinVar aggregate classification (germline): Uncertain significance (1 of 4 stars; one submission).

Conditions:
SEMA3C-related disorder. Also called: SEMA3C-related condition.

gnomAD v4.1: 2 of 1,605,264 alleles (0.00012%); highest among the groups gnomAD compares: East Asian, 0.0022%; no homozygotes.

Submission:

PreventionGenetics, part of Exact Sciences
Classification: Uncertain significance for SEMA3C-related condition. Last evaluated: 2025-03-17. Review status: criteria provided, single submitter. Criteria: ACMG Guidelines, 2015. Collection method: clinical testing. Allele origin: germline.
Comment: The SEMA3C c.170C>T variant is predicted to result in the amino acid substitution p.Thr57Ile. To our knowledge, this variant has not been reported in the literature. This variant is reported in 0.0055% of alleles in individuals of East Asian descent in gnomAD. At this time, the clinical significance of this variant is uncertain due to the absence of conclusive functional and genetic evidence.